The following is an entry in ClinVar:

ClinVar aggregate classification (germline): Uncertain significance (1 of 4 stars; one submission).

Conditions:
Dyskeratosis congenita. Identifiers: Orphanet 1775, MedGen C0265965, MONDO:0015780.

Submission:

Ambry Genetics
Classification: Uncertain significance for Dyskeratosis congenita. Last evaluated: 2023-12-08. Review status: criteria provided, single submitter. Criteria: Ambry Variant Classification Scheme 2023. Collection method: clinical testing. Allele origin: germline.
Comment: The p.N483K variant (also known as c.1449C>G), located in coding exon 2 of the TERT gene, results from a C to G substitution at nucleotide position 1449. The asparagine at codon 483 is replaced by lysine, an amino acid with similar properties. This amino acid position is conserved. In addition, the in silico prediction for this alteration is inconclusive. Since supporting evidence is limited at this time, the clinical significance of this alteration remains unclear.

NM_198253.3(TERT):c.1449C>G (p.Asn483Lys)

Gene: TERT (telomerase reverse transcriptase; minus strand). Cytogenetic location: 5p15.33.
Variant type: single nucleotide variant.
Coding change: c.1449C>G on transcript NM_198253.3 (MANE Select); coding-DNA position 1449, C replaced by G.
Protein change: p.Asn483Lys; replaces asparagine 483 with lysine.
Molecular consequence: missense variant. On other transcripts: non-coding transcript variant (2).
Genome position (GRCh38, 1-based): chr5:1,293,437, G>C on the plus strand (C>G on the coding strand, the complement: TERT is on the minus strand). VCF-style: chr5-1293437-G-C. GRCh37 (hg19) VCF-style: chr5-1293552-G-C.
Other names: c.1449C>G, p.Asn483Lys (NM_001193376.3, NM_003219.1); short protein forms N483K.
Identifiers: ClinVar variation 3238510 (VCV003238510.1), dbSNP rs761174773.
Genomic context (GRCh38, chr5:1,293,437, plus strand): 5'-GAGCTTGGCATGCTTCCCCAGGGAGATGAACTTCTTGGTGTTCCTGAGGAAGCGGCGTTC[G>C]TTGTGCCTGGAGCCCCAGAGGCCTGGGGGCACCAGCCGGCGCAGGCAGGCCCGCACGAAG-3'
Protein context (NP_937983.2, residues 473-493): VPPGLWGSRH[Asn483Lys]ERRFLRNTKK